The following is an entry in ClinVar:

ClinVar aggregate classification (germline): Conflicting classifications of pathogenicity. Review status: criteria provided, conflicting classifications (1 of 4 stars). 3 submissions from 3 submitters: Uncertain significance (2); Likely benign (1). Last evaluated 2024-09-12.

Conditions:
Inborn genetic diseases. Identifiers: MedGen C0950123, MeSH D030342.

Allele frequency attached by ClinVar (database versions not stated): TOPMed 0.00002.

Submissions (3):

Labcorp Genetics (formerly Invitae), Labcorp
Classification: Likely benign. Last evaluated: 2024-09-12. Review status: criteria provided, single submitter. Criteria: Invitae Variant Classification Sherloc (09022015). Collection method: clinical testing. Allele origin: germline.

CeGaT Center for Human Genetics Tuebingen
Classification: Uncertain significance. Last evaluated: 2024-01-01. Review status: criteria provided, single submitter. Criteria: CeGaT Center For Human Genetics Tuebingen Variant Classification Criteria Version 2. Collection method: clinical testing. Allele origin: germline. Affected: yes. Observed: 1 variant allele.
Comment: KMT2B: PM2, BP4

Ambry Genetics
Classification: Uncertain significance for Inborn genetic diseases. Last evaluated: 2021-07-06. Review status: criteria provided, single submitter. Criteria: Ambry Variant Classification Scheme 2023. Collection method: clinical testing. Allele origin: germline.

NM_014727.3(KMT2B):c.6056G>C (p.Gly2019Ala)

Gene: KMT2B (lysine methyltransferase 2B; plus strand). Cytogenetic location: 19q13.12.
Variant type: single nucleotide variant.
Coding change: c.6056G>C on transcript NM_014727.3 (MANE Select); coding-DNA position 6056, G replaced by C.
Protein change: p.Gly2019Ala; replaces glycine 2019 with alanine.
Molecular consequence: missense variant.
Genome position (GRCh38, 1-based): chr19:35,732,605, G>C. VCF-style: chr19-35732605-G-C. GRCh37 (hg19) VCF-style: chr19-36223506-G-C.
Other names: short protein forms G2019A.
Identifiers: ClinVar variation 1932907 (VCV001932907.28), dbSNP rs561976569, ClinGen allele CA9385596.
Genomic context (GRCh38, chr19:35,732,605, plus strand): 5'-GGACTGAGCCCTTCCAGGAAGAGATTGTAGCCGCTGGGGCCATGGGGAGCAGCCACGGGG[G>C]CCCGGGGGACAGCTCCGAGGAGGAGTCCAGCCCCACCTCCCGCTACATCCACTTCCCTGT-3'
Protein context (NP_055542.1, residues 2009-2029): AAGAMGSSHG[Gly2019Ala]PGDSSEEESS